The following is an entry in ClinVar:

NM_000316.3(PTH1R):c.357G>A (p.Pro119=)

Genes: PTH1R (parathyroid hormone 1 receptor; plus strand), LOC129936652 (ATAC-STARR-seq lymphoblastoid silent region 14297; plus strand). Cytogenetic location: 3p21.31.
Variant type: single nucleotide variant.
Coding change: c.357G>A on transcript NM_000316.3 (MANE Select); coding-DNA position 357, G replaced by A.
Protein change: p.Pro119=; no amino-acid change (proline 119 retained).
Molecular consequence: synonymous variant.
Genome position (GRCh38, 1-based): chr3:46,897,898, G>A. VCF-style: chr3-46897898-G-A. GRCh37 (hg19) VCF-style: chr3-46939388-G-A.
Other names: c.357G>A, p.Pro119= (NM_001184744.1).
Identifiers: ClinVar variation 345585 (VCV000345585.46), dbSNP rs143692596, ClinGen allele CA2359150.

ClinVar aggregate classification (germline): Benign/Likely benign. Review status: criteria provided, multiple submitters, no conflicts (2 of 4 stars). 7 submissions from 6 submitters: Benign (2); Likely benign (5). Last evaluated 2026-01-09.

Conditions:
Chondrodysplasia Blomstrand type (BOCD). Identifiers: Orphanet 50945, MedGen C1859148, MONDO:0008970, OMIM 215045.
Metaphyseal chondrodysplasia, Jansen type. Also called: PTH1R-Related Jansen Metaphyseal Chondrodysplasia; Metaphyseal chondrodysplasia Murk Jansen type. Identifiers: Orphanet 33067, MedGen C0265295, MONDO:0007982, OMIM 156400.

Allele frequency attached by ClinVar (database versions not stated): ESP Exome Variant Server 0.00008; gnomAD exomes 0.00015; 1000 Genomes Project 30x 0.00016; gnomAD 0.00016 and 0.00021; 1000 Genomes Project 0.00020; TOPMed 0.00038.
gnomAD v4.1: 248 of 1,613,892 alleles (0.015%); highest among the groups gnomAD compares: Admixed American, 0.38%; 2 homozygotes.

Submissions (7):

Labcorp Genetics (formerly Invitae), Labcorp
Classification: Benign. Last evaluated: 2026-01-09. Review status: criteria provided, single submitter. Criteria: Invitae Variant Classification Sherloc (09022015). Collection method: clinical testing. Allele origin: germline.

CeGaT Center for Human Genetics Tuebingen
Classification: Likely benign. Last evaluated: 2025-12-01. Review status: criteria provided, single submitter. Criteria: CeGaT Center For Human Genetics Tuebingen Variant Classification Criteria Version 2. Collection method: clinical testing. Allele origin: germline. Affected: yes. Observed: 2 variant alleles.
Comment: PTH1R: BP4, BP7

ARUP Laboratories, Molecular Genetics and Genomics, ARUP Laboratories
Classification: Likely benign. Last evaluated: 2025-07-02. Review status: criteria provided, single submitter. Criteria: ARUP Molecular Germline Variant Investigation Process 2024. Collection method: clinical testing. Allele origin: germline.

Blueprint Genetics
Classification: Likely benign. Last evaluated: 2023-01-30. Review status: criteria provided, single submitter. Criteria: ACMG Guidelines, 2015. Collection method: clinical testing. Allele origin: germline.

Illumina Laboratory Services, Illumina
Classification: Benign for Metaphyseal chondrodysplasia, Jansen type. Last evaluated: 2018-01-13. Review status: criteria provided, single submitter. Criteria: ICSL Variant Classification Criteria 13 December 2019. Collection method: clinical testing. Allele origin: germline.
Comment: This variant was observed in the ICSL laboratory as part of a predisposition screen in an ostensibly healthy population. It had not been previously curated by ICSL or reported in the Human Gene Mutation Database (HGMD: prior to June 1st, 2018), and was therefore a candidate for classification through an automated scoring system. Utilizing variant allele frequency, disease prevalence and penetrance estimates, and inheritance mode, an automated score was calculated to assess if this variant is too frequent to cause the disease. Based on the score and internal cut-off values, a variant classified as benign is not then subjected to further curation. The score for this variant resulted in a classification of benign for this disease.

Illumina Laboratory Services, Illumina
Classification: Likely benign for Chondrodysplasia Blomstrand type. Last evaluated: 2018-01-13. Review status: criteria provided, single submitter. Criteria: ICSL Variant Classification Criteria 13 December 2019. Collection method: clinical testing. Allele origin: germline.
Comment: This variant was observed in the ICSL laboratory as part of a predisposition screen in an ostensibly healthy population. It had not been previously curated by ICSL or reported in the Human Gene Mutation Database (HGMD: prior to June 1st, 2018), and was therefore a candidate for classification through an automated scoring system. Utilizing variant allele frequency, disease prevalence and penetrance estimates, and inheritance mode, an automated score was calculated to assess if this variant is too frequent to cause the disease. Based on the score and internal cut-off values, a variant classified as likely benign is not then subjected to further curation. The score for this variant resulted in a classification of likely benign for this disease.

Breakthrough Genomics
Classification: Likely benign. Review status: criteria provided, single submitter. Criteria: ACMG Guidelines, 2015. Collection method: not provided. Allele origin: germline. Inheritance: Autosomal recessive inheritance. Affected: yes.